The following is an entry in ClinVar:

NM_018989.2(RBM27):c.1081A>T (p.Met361Leu)

Genes: RBM27 (RNA binding motif protein 27; plus strand), RBM27-POU4F3 (RBM27-POU4F3 readthrough; plus strand). Cytogenetic location: 5q32.
Variant type: single nucleotide variant.
Coding change: c.1081A>T on transcript NM_018989.2 (MANE Select); coding-DNA position 1081, A replaced by T.
Protein change: p.Met361Leu; replaces methionine 361 with leucine.
Molecular consequence: missense variant.
Genome position (GRCh38, 1-based): chr5:146,233,680, A>T. VCF-style: chr5-146233680-A-T. GRCh37 (hg19) VCF-style: chr5-145613243-A-T.
Other names: c.1081A>T, p.Met361Leu (NM_001414499.1); short protein forms M361L.
Identifiers: ClinVar variation 3046585 (VCV003046585.2), dbSNP rs145407605, ClinGen allele CA3490392.
Genomic context (GRCh38, chr5:146,233,680, plus strand): 5'-CCAGGCCCGGGCCCAGGTCCAGGCCCAGGCCCGGGCCCAGGTCCAGGTCCTGGCCATAGT[A>T]TGAGACTTCCTGTTCCCCAAGGACATGGTCAGCCTCCACCATCCGTTGTGCTTCCCATAC-3'
Protein context (NP_061862.1, residues 351-371): PGPGPGPGHS[Met361Leu]RLPVPQGHGQ

ClinVar aggregate classification (germline): Likely benign (0 of 4 stars; one submission).

Conditions:
RBM27-related disorder. Also called: RBM27-related condition.

Allele frequency attached by ClinVar (database versions not stated): ExAC 0.00030; TOPMed 0.00124; ESP Exome Variant Server 0.00126; 1000 Genomes Project 0.00180; 1000 Genomes Project 30x 0.00203.
gnomAD v4.1: 338 of 1,523,954 alleles (0.022%); highest among the groups gnomAD compares: African/African-American, 0.44%; 2 homozygotes.

Submission:

PreventionGenetics, part of Exact Sciences
Classification: Likely benign for RBM27-related condition. Last evaluated: 2022-04-11. Review status: no assertion criteria provided. Collection method: clinical testing. Allele origin: germline.
Comment: This variant is classified as likely benign based on ACMG/AMP sequence variant interpretation guidelines (Richards et al. 2015 PMID: 25741868, with internal and published modifications).